The following is an entry in ClinVar:

ClinVar aggregate classification (germline): Uncertain significance (1 of 4 stars; one submission).

Conditions:
Cohen syndrome (COH1). Also called: PEPPER SYNDROME; Cutis verticis gyrata, retinitis pigmentosa, and sensorineural deafness. Identifiers: Orphanet 193, MedGen C0265223, MONDO:0008999, OMIM 216550.

Submission:

Labcorp Genetics (formerly Invitae), Labcorp
Classification: Uncertain significance for Cohen syndrome. Last evaluated: 2022-09-01. Review status: criteria provided, single submitter. Criteria: Invitae Variant Classification Sherloc (09022015). Collection method: clinical testing. Allele origin: germline.
Comment: In summary, the available evidence is currently insufficient to determine the role of this variant in disease. Therefore, it has been classified as a Variant of Uncertain Significance. Variants that disrupt the consensus splice site are a relatively common cause of aberrant splicing (PMID: 17576681, 9536098). Algorithms developed to predict the effect of sequence changes on RNA splicing suggest that this variant may disrupt the consensus splice site. ClinVar contains an entry for this variant (Variation ID: 1361853). This variant has not been reported in the literature in individuals affected with VPS13B-related conditions. This variant is not present in population databases (gnomAD no frequency). This sequence change falls in intron 23 of the VPS13B gene. It does not directly change the encoded amino acid sequence of the VPS13B protein. It affects a nucleotide within the consensus splice site.

Literature cited by the submitters: PubMed 17576681; PubMed 9536098.

NM_152564.5(VPS13B):c.3445+3A>T

Gene: VPS13B (vacuolar protein sorting 13 homolog B; plus strand). Cytogenetic location: 8q22.2.
Variant type: single nucleotide variant.
Coding change: c.3445+3A>T on transcript NM_152564.5 (MANE Select); 3 bases into the intron after coding-DNA position 3445, A replaced by T.
Molecular consequence: intron variant.
Genome position (GRCh38, 1-based): chr8:99,442,638, A>T. VCF-style: chr8-99442638-A-T. GRCh37 (hg19) VCF-style: chr8-100454866-A-T.
Other names: c.3445+3A>T (NM_017890.5).
Identifiers: ClinVar variation 1361853 (VCV001361853.6), dbSNP rs775461539, ClinGen allele CA1805764484.